The following is an entry in ClinVar:

NM_024753.5(TTC21B):c.946G>T (p.Ala316Ser)

Gene: TTC21B (tetratricopeptide repeat domain 21B; minus strand). Cytogenetic location: 2q24.3.
Variant type: single nucleotide variant.
Coding change: c.946G>T on transcript NM_024753.5 (MANE Select); coding-DNA position 946, G replaced by T.
Protein change: p.Ala316Ser; replaces alanine 316 with serine.
Molecular consequence: missense variant.
Genome position (GRCh38, 1-based): chr2:165,930,313, C>A on the plus strand (G>T on the coding strand, the complement: TTC21B is on the minus strand). VCF-style: chr2-165930313-C-A. GRCh37 (hg19) VCF-style: chr2-166786823-C-A.
Other names: short protein forms A316S.
Identifiers: ClinVar variation 1702509 (VCV001702509.9), dbSNP rs1366178129, ClinGen allele CA349066904.
Genomic context (GRCh38, chr2:165,930,313, plus strand): 5'-AAATCATTTGGTATCCAAGTTCTGTAGCAAATTCTGATTGCTGAGGGTTTAAACTAAAAG[C>A]TCTCTCAAGTAACGTTTGAATTTTTTGAAGAATAAGTTGACTACGTCCACACTAAAAAGA-3'
Protein context (NP_079029.3, residues 306-326): LQKIQTLLER[Ala316Ser]FSLNPQQSEF

ClinVar aggregate classification (germline): Uncertain significance. Review status: criteria provided, multiple submitters, no conflicts (2 of 4 stars). 3 submissions from 3 submitters: Uncertain significance (2). 1 of the submissions does not count toward it. Last evaluated 2022-05-23.

Conditions:
Jeune thoracic dystrophy. Also called: Jeune syndrome; Infantile thoracic dystrophy; Thoracic pelvic phalangeal dystrophy; Jeune's syndrome; Chondroectodermal dysplasia-like syndrome; Short-rib thoracic dysplasia. Identifiers: Orphanet 474, MedGen C0265275, MONDO:0018770.
Nephronophthisis. Also called: Juvenile Nephronophthisis. Identifiers: Orphanet 655, MedGen C0687120, MONDO:0019005, HP:0000090.
TTC21B-related disorder. Also called: TTC21B-related disorders; TTC21B-related condition.
Connective tissue disorder. Also called: Connective tissue disease. Identifiers: MedGen C0009782, MONDO:0003900.

Allele frequency attached by ClinVar (database versions not stated): gnomAD 0.00001; TOPMed 0.00001.
gnomAD v4.1: 13 of 1,612,612 alleles (0.00081%); highest among the groups gnomAD compares: Non-Finnish European, 0.0011%; no homozygotes.

Submissions (3):

Labcorp Genetics (formerly Invitae), Labcorp
Classification: Uncertain significance for Jeune thoracic dystrophy; Nephronophthisis. Last evaluated: 2022-05-23. Review status: criteria provided, single submitter. Criteria: Invitae Variant Classification Sherloc (09022015). Collection method: clinical testing. Allele origin: germline.
Comment: In summary, the available evidence is currently insufficient to determine the role of this variant in disease. Therefore, it has been classified as a Variant of Uncertain Significance. Algorithms developed to predict the effect of missense changes on protein structure and function are either unavailable or do not agree on the potential impact of this missense change (SIFT: "Deleterious"; PolyPhen-2: "Benign"; Align-GVGD: "Class C0"). This variant has not been reported in the literature in individuals affected with TTC21B-related conditions. This variant is present in population databases (no rsID available, gnomAD 0.007%). This sequence change replaces alanine, which is neutral and non-polar, with serine, which is neutral and polar, at codon 316 of the TTC21B protein (p.Ala316Ser).

Genome Diagnostics Laboratory, The Hospital for Sick Children
Classification: Uncertain significance for Connective tissue disorder. Last evaluated: 2018-10-01. Review status: criteria provided, single submitter. Criteria: ACMG Guidelines, 2015. Collection method: clinical testing. Allele origin: germline.

PreventionGenetics, part of Exact Sciences
Classification: Uncertain significance for TTC21B-related condition. Last evaluated: 2024-08-23. Review status: no assertion criteria provided. Collection method: clinical testing. Allele origin: germline. Not counted in ClinVar's aggregate classification.
Comment: The TTC21B c.946G>T variant is predicted to result in the amino acid substitution p.Ala316Ser. To our knowledge, this variant has not been reported in the literature. This variant is reported in 0.0065% of alleles in individuals of European (Non-Finnish) descent in gnomAD. At this time, the clinical significance of this variant is uncertain due to the absence of conclusive functional and genetic evidence.